The following is an entry in ClinVar:

ClinVar aggregate classification (germline): Uncertain significance. Review status: criteria provided, multiple submitters, no conflicts (2 of 4 stars). 4 submissions from 4 submitters: Uncertain significance (4). Last evaluated 2022-10-05.

Conditions:
Bardet-Biedl syndrome (BBS). Identifiers: Orphanet 110, MedGen C0752166, MONDO:0015229.
Sarcotubular myopathy (LGMDR8). Also called: Hutterite type of muscular dystrophy; Limb-girdle muscular dystrophy, type 2H; MUSCULAR DYSTROPHY, LIMB-GIRDLE, AUTOSOMAL RECESSIVE 8; Autosomal recessive limb-girdle muscular dystrophy type 2H. Identifiers: Orphanet 1878, MedGen C0270968, MONDO:0009683, OMIM 254110.
Bardet-Biedl syndrome 11 (BBS11). Identifiers: Orphanet 110, MedGen C1859569, MONDO:0014439, OMIM 615988.

Allele frequency attached by ClinVar (database versions not stated): gnomAD exomes below 0.00001; TOPMed 0.00001; ExAC 0.00001.
gnomAD v4.1: 2 of 1,614,058 alleles (0.00012%); highest among the groups gnomAD compares: Admixed American, 0.0033%; no homozygotes.

Submissions (4):

Labcorp Genetics (formerly Invitae), Labcorp
Classification: Uncertain significance for Bardet-Biedl syndrome. Last evaluated: 2022-10-05. Review status: criteria provided, single submitter. Criteria: Invitae Variant Classification Sherloc (09022015). Collection method: clinical testing. Allele origin: germline.
Comment: This sequence change replaces isoleucine, which is neutral and non-polar, with methionine, which is neutral and non-polar, at codon 291 of the TRIM32 protein (p.Ile291Met). This variant is present in population databases (rs766687896, gnomAD 0.003%). This variant has not been reported in the literature in individuals affected with TRIM32-related conditions. ClinVar contains an entry for this variant (Variation ID: 290478). Algorithms developed to predict the effect of missense changes on protein structure and function are either unavailable or do not agree on the potential impact of this missense change (SIFT: "Deleterious"; PolyPhen-2: "Possibly Damaging"; Align-GVGD: "Class C0"). In summary, the available evidence is currently insufficient to determine the role of this variant in disease. Therefore, it has been classified as a Variant of Uncertain Significance.

Fulgent Genetics
Classification: Uncertain significance for Sarcotubular myopathy; Bardet-Biedl syndrome 11. Last evaluated: 2021-12-01. Review status: criteria provided, single submitter. Criteria: ACMG Guidelines, 2015. Collection method: clinical testing. Allele origin: unknown.

Baylor Genetics
Classification: Uncertain significance for Bardet-Biedl syndrome 11. Last evaluated: 2018-03-01. Review status: criteria provided, single submitter. Criteria: ACMG Guidelines, 2015. Collection method: clinical testing. Allele origin: maternal. Affected: yes.
Comment: This variant was determined to be of uncertain significance according to ACMG Guidelines, 2015 [PMID:25741868].

Eurofins Ntd Llc (ga)
Classification: Uncertain significance. Last evaluated: 2016-09-26. Review status: criteria provided, single submitter. Criteria: EGL Classification Definitions 2015. Collection method: clinical testing. Allele origin: germline. Observed: 1 variant allele, 1 heterozygote.

NM_012210.4(TRIM32):c.873T>G (p.Ile291Met)

Genes: ASTN2 (astrotactin 2; minus strand), TRIM32 (tripartite motif containing 32; plus strand). Cytogenetic location: 9q33.1.
Variant type: single nucleotide variant.
Coding change: c.873T>G on transcript NM_012210.4 (MANE Select); coding-DNA position 873, T replaced by G.
Protein change: p.Ile291Met; replaces isoleucine 291 with methionine.
Molecular consequence: missense variant. On other transcripts: intron variant (3).
Genome position (GRCh38, 1-based): chr9:116,698,615, T>G. VCF-style: chr9-116698615-T-G. GRCh37 (hg19) VCF-style: chr9-119460894-T-G.
Other names: c.873T>G, p.Ile291Met (NM_001099679.2, NM_001379048.1, NM_001379049.1 and 1 more transcripts); c.2653+27156A>C (NM_014010.5); c.2794+27156A>C (NM_001365069.1); c.2806+27156A>C (NM_001365068.1); short protein forms I291M.
Identifiers: ClinVar variation 290478 (VCV000290478.13), dbSNP rs766687896, ClinGen allele CA5211060.